The following is an entry in ClinVar:

ClinVar aggregate classification (germline): Uncertain significance (1 of 4 stars; one submission).

gnomAD v4.1: 2 of 1,613,822 alleles (0.00012%); highest among the groups gnomAD compares: African/African-American, 0.0013%; no homozygotes.

Submission:

Labcorp Genetics (formerly Invitae), Labcorp
Classification: Uncertain significance. Last evaluated: 2020-11-21. Review status: criteria provided, single submitter. Criteria: Invitae Variant Classification Sherloc (09022015). Collection method: clinical testing. Allele origin: germline.
Comment: This sequence change replaces arginine with leucine at codon 314 of the RIMS1 protein (p.Arg314Leu). The arginine residue is highly conserved and there is a moderate physicochemical difference between arginine and leucine. This variant is not present in population databases (ExAC no frequency). This variant has been observed in individual(s) with clinical features of cone-rod dystrophy (Invitae). Algorithms developed to predict the effect of missense changes on protein structure and function are either unavailable or do not agree on the potential impact of this missense change (SIFT: "Deleterious"; PolyPhen-2: "Benign"; Align-GVGD: "Class C35"). In summary, the available evidence is currently insufficient to determine the role of this variant in disease. Therefore, it has been classified as a Variant of Uncertain Significance.

NM_014989.7(RIMS1):c.941G>T (p.Arg314Leu)

Gene: RIMS1 (regulating synaptic membrane exocytosis 1; plus strand). Cytogenetic location: 6q13.
Variant type: single nucleotide variant.
Coding change: c.941G>T on transcript NM_014989.7 (MANE Select); coding-DNA position 941, G replaced by T.
Protein change: p.Arg314Leu; replaces arginine 314 with leucine.
Molecular consequence: missense variant.
Genome position (GRCh38, 1-based): chr6:72,182,412, G>T. VCF-style: chr6-72182412-G-T. GRCh37 (hg19) VCF-style: chr6-72892115-G-T.
Other names: short protein forms R314L.
Identifiers: ClinVar variation 1477204 (VCV001477204.8), dbSNP rs375918012, ClinGen allele CA364819821.